The following is an entry in ClinVar:

ClinVar aggregate classification (germline): Benign. Review status: criteria provided, multiple submitters, no conflicts (2 of 4 stars). 2 submissions from 2 submitters: Benign (2). Last evaluated 2018-06-16.

Allele frequency attached by ClinVar (database versions not stated): gnomAD exomes 0.11783; gnomAD 0.18396 and 0.18424; TOPMed 0.19290; 1000 Genomes Project 30x 0.24282; 1000 Genomes Project 0.24401.
gnomAD v4.1: 134,460 of 1,053,282 alleles (13%); highest among the groups gnomAD compares: East Asian, 42%; 13,130 homozygotes.

Submissions (2):

GeneDx
Classification: Benign. Last evaluated: 2018-06-16. Review status: criteria provided, single submitter. Criteria: GeneDx Variant Classification (06012015). Collection method: clinical testing. Allele origin: germline. Affected: yes.
Comment: This variant is considered likely benign or benign based on one or more of the following criteria: it is a conservative change, it occurs at a poorly conserved position in the protein, it is predicted to be benign by multiple in silico algorithms, and/or has population frequency not consistent with disease.

Breakthrough Genomics
Classification: Benign. Review status: criteria provided, single submitter. Criteria: ACMG Guidelines, 2015. Collection method: not provided. Allele origin: germline. Inheritance: Autosomal dominant inheritance. Affected: yes.

NM_177438.3(DICER1):c.2041-91A>G

Gene: DICER1 (dicer 1, ribonuclease III; minus strand). Cytogenetic location: 14q32.13.
Variant type: single nucleotide variant.
Coding change: c.2041-91A>G on transcript NM_177438.3 (MANE Select); 91 bases into the intron before coding-DNA position 2041, A replaced by G.
Molecular consequence: intron variant.
Genome position (GRCh38, 1-based): chr14:95,112,338, T>C on the plus strand (A>G on the coding strand, the complement: DICER1 is on the minus strand). VCF-style: chr14-95112338-T-C. GRCh37 (hg19) VCF-style: chr14-95578675-T-C.
Other names: c.2041-91A>G (NM_001291628.2, NM_030621.4, NM_001271282.3 and 1 more transcripts).
Identifiers: ClinVar variation 676900 (VCV000676900.2), dbSNP rs2297730, ClinGen allele CA16497806.